The following is an entry in ClinVar:

ClinVar aggregate classification (germline): Benign/Likely benign. Review status: criteria provided, multiple submitters, no conflicts (2 of 4 stars). 3 submissions from 3 submitters: Benign (1); Likely benign (1). 1 of the submissions does not count toward it. Last evaluated 2026-01-27.

Conditions:
CEP164-related disorder. Also called: CEP164-related condition.
Nephronophthisis 15 (NPHP15). Identifiers: Orphanet 3156, MedGen C3541853, MONDO:0013917, OMIM 614845.

Allele frequency attached by ClinVar (database versions not stated): TOPMed 0.00006; gnomAD 0.00010; 1000 Genomes Project 30x 0.00016; 1000 Genomes Project 0.00020.
gnomAD v4.1: 350 of 1,612,742 alleles (0.022%); highest among the groups gnomAD compares: South Asian, 0.32%; 5 homozygotes.

Submissions (3):

Labcorp Genetics (formerly Invitae), Labcorp
Classification: Benign for Nephronophthisis 15. Last evaluated: 2026-01-27. Review status: criteria provided, single submitter. Criteria: Invitae Variant Classification Sherloc (09022015). Collection method: clinical testing. Allele origin: germline.

Blueprint Genetics
Classification: Likely benign. Last evaluated: 2024-10-15. Review status: criteria provided, single submitter. Criteria: ACMG Guidelines, 2015. Collection method: clinical testing. Allele origin: germline.

PreventionGenetics, part of Exact Sciences
Classification: Likely benign for CEP164-related condition. Last evaluated: 2022-10-27. Review status: no assertion criteria provided. Collection method: clinical testing. Allele origin: germline. Not counted in ClinVar's aggregate classification.
Comment: This variant is classified as likely benign based on ACMG/AMP sequence variant interpretation guidelines (Richards et al. 2015 PMID: 25741868, with internal and published modifications).

NM_014956.5(CEP164):c.3484C>A (p.Arg1162Ser)

Gene: CEP164 (centrosomal protein 164; plus strand). Cytogenetic location: 11q23.3.
Variant type: single nucleotide variant.
Coding change: c.3484C>A on transcript NM_014956.5 (MANE Select); coding-DNA position 3484, C replaced by A.
Protein change: p.Arg1162Ser; replaces arginine 1162 with serine.
Molecular consequence: missense variant.
Genome position (GRCh38, 1-based): chr11:117,397,296, C>A. VCF-style: chr11-117397296-C-A. GRCh37 (hg19) VCF-style: chr11-117268012-C-A.
Other names: c.3493C>A, p.Arg1165Ser (NM_001271933.2); short protein forms R1162S, R1165S.
Identifiers: ClinVar variation 779006 (VCV000779006.14), dbSNP rs138487235, ClinGen allele CA6295460.